The following is an entry in ClinVar:

NM_001370259.2(MEN1):c.1387G>A (p.Glu463Lys)

Gene: MEN1 (menin 1; minus strand). Cytogenetic location: 11q13.1.
Variant type: single nucleotide variant.
Coding change: c.1387G>A on transcript NM_001370259.2 (MANE Select); coding-DNA position 1387, G replaced by A.
Protein change: p.Glu463Lys; replaces glutamic acid 463 with lysine.
Molecular consequence: missense variant.
Genome position (GRCh38, 1-based): chr11:64,804,780, C>T on the plus strand (G>A on the coding strand, the complement: MEN1 is on the minus strand). VCF-style: chr11-64804780-C-T. GRCh37 (hg19) VCF-style: chr11-64572252-C-T.
Other names: c.1402G>A, p.Glu468Lys (NM_000244.4, NM_130800.3, NM_130801.3 and 3 more transcripts); c.1513G>A, p.Glu505Lys (NM_001370251.2); c.1387G>A, p.Glu463Lys (NM_001370260.2, NM_001370261.2, NM_130799.3); c.1282G>A, p.Glu428Lys (NM_001370262.2, NM_001370263.2); short protein forms E428K, E463K, E468K, E505K.
Identifiers: ClinVar variation 950710 (VCV000950710.14), dbSNP rs748102589, ClinGen allele CA381179742.

ClinVar aggregate classification (germline): Uncertain significance. Review status: criteria provided, multiple submitters, no conflicts (2 of 4 stars). 3 submissions from 3 submitters: Uncertain significance (3). Last evaluated 2025-08-17.

Conditions:
Multiple endocrine neoplasia, type 1 (MEN1). Also called: MEN I; WERMER SYNDROME; Endocrine adenomatosis multiple; MEN 1; MEA I. Identifiers: Orphanet 652, MedGen C0025267, MeSH D018761, MONDO:0007540, OMIM 131100.
Hereditary cancer-predisposing syndrome. Also called: Hereditary neoplastic syndrome; Tumor predisposition; Neoplastic Syndromes, Hereditary; Hereditary Cancer Syndrome. Identifiers: Orphanet 140162, MedGen C0027672, MeSH D009386, MONDO:0015356.

Submissions (3):

Labcorp Genetics (formerly Invitae), Labcorp
Classification: Uncertain significance for Multiple endocrine neoplasia, type 1. Last evaluated: 2025-08-17. Review status: criteria provided, single submitter. Criteria: Invitae Variant Classification Sherloc (09022015). Collection method: clinical testing. Allele origin: germline.
Comment: This sequence change replaces glutamic acid, which is acidic and polar, with lysine, which is basic and polar, at codon 463 of the MEN1 protein (p.Glu463Lys). This variant is not present in population databases (gnomAD no frequency). This variant has not been reported in the literature in individuals affected with MEN1-related conditions. ClinVar contains an entry for this variant (Variation ID: 950710). Invitae Evidence Modeling of protein sequence and biophysical properties (such as structural, functional, and spatial information, amino acid conservation, physicochemical variation, residue mobility, and thermodynamic stability) has been performed for this missense variant. However, the output from this modeling did not meet the statistical confidence thresholds required to predict the impact of this variant on MEN1 protein function. In summary, the available evidence is currently insufficient to determine the role of this variant in disease. Therefore, it has been classified as a Variant of Uncertain Significance.

Ambry Genetics
Classification: Uncertain significance for Hereditary cancer-predisposing syndrome. Last evaluated: 2025-06-12. Review status: criteria provided, single submitter. Criteria: Ambry Variant Classification Scheme 2023. Collection method: clinical testing. Allele origin: germline.
Comment: The p.E463K variant (also known as c.1387G>A), located in coding exon 9 of the MEN1 gene, results from a G to A substitution at nucleotide position 1387. The glutamic acid at codon 463 is replaced by lysine, an amino acid with similar properties. This amino acid position is well conserved in available vertebrate species. In addition, the in silico prediction for this alteration is inconclusive. Since supporting evidence is limited at this time, the clinical significance of this alteration remains unclear.

Baylor Genetics
Classification: Uncertain significance for Multiple Endocrine Neoplasia Type 1. Last evaluated: 2023-07-16. Review status: criteria provided, single submitter. Criteria: ACMG Guidelines, 2015. Collection method: clinical testing. Allele origin: unknown.